The following is an entry in ClinVar:

ClinVar aggregate classification (germline): Uncertain significance (1 of 4 stars; one submission).

Conditions:
Hereditary spastic paraplegia 30. Identifiers: Orphanet 101010, MedGen C5235139, MONDO:0012476.
Neuropathy, hereditary sensory, type 2C. Also called: Hereditary sensory and autonomic neuropathy type IIC; KIF1A-Related HSAN2 (HSAN2C). Identifiers: Orphanet 970, MedGen C3280168, MONDO:0013634, OMIM 614213.
Intellectual disability, autosomal dominant 9 (NESCAVS). Also called: NESCAV SYNDROME; KIF1A-Related Neurodevelopmental Disorder. Identifiers: Orphanet 662367, MedGen C5393830, MONDO:0013656, OMIM 614255.

Submission:

Labcorp Genetics (formerly Invitae), Labcorp
Classification: Uncertain significance for Hereditary spastic paraplegia 30; Neuropathy, hereditary sensory, type 2C; Intellectual disability, autosomal dominant 9. Last evaluated: 2023-07-25. Review status: criteria provided, single submitter. Criteria: Invitae Variant Classification Sherloc (09022015). Collection method: clinical testing. Allele origin: germline.
Comment: In summary, the available evidence is currently insufficient to determine the role of this variant in disease. Therefore, it has been classified as a Variant of Uncertain Significance. Algorithms developed to predict the effect of sequence changes on RNA splicing suggest that this variant may create or strengthen a splice site. ClinVar contains an entry for this variant (Variation ID: 2032045). This sequence change affects codon 1511 of the KIF1A mRNA. It is a 'silent' change, meaning that it does not change the encoded amino acid sequence of the KIF1A protein. This variant is not present in population databases (gnomAD no frequency). This variant has not been reported in the literature in individuals affected with KIF1A-related conditions.

NM_001244008.2(KIF1A):c.4836G>A (p.Leu1612=)

Gene: KIF1A (kinesin family member 1A; minus strand). Cytogenetic location: 2q37.3.
Variant type: single nucleotide variant.
Coding change: c.4836G>A on transcript NM_001244008.2 (MANE Select); coding-DNA position 4836, G replaced by A.
Protein change: p.Leu1612=; no amino-acid change (leucine 1612 retained).
Molecular consequence: synonymous variant.
Genome position (GRCh38, 1-based): chr2:240,720,946, C>T on the plus strand (G>A on the coding strand, the complement: KIF1A is on the minus strand). VCF-style: chr2-240720946-C-T. GRCh37 (hg19) VCF-style: chr2-241660363-C-T.
Other names: c.4560G>A, p.Leu1520= (NM_001320705.2, NM_001379649.1); c.4587G>A, p.Leu1529= (NM_001330289.2); c.4635G>A, p.Leu1545= (NM_001330290.2, NM_001379648.1); c.4911G>A, p.Leu1637= (NM_001379631.1); c.4812G>A, p.Leu1604= (NM_001379632.1); c.4809G>A, p.Leu1603= (NM_001379633.1, NM_001379645.1); c.4662G>A, p.Leu1554= (NM_001379634.1); c.4659G>A, p.Leu1553= (NM_001379635.1, NM_001379646.1); and 7 more.
Identifiers: ClinVar variation 2032045 (VCV002032045.4), dbSNP rs2536654581, ClinGen allele CA432011901.